The following is an entry in ClinVar:

ClinVar aggregate classification (germline): Uncertain significance (1 of 4 stars; one submission).

Conditions:
PLXNA1-related disorder. Also called: PLXNA1-related condition.

gnomAD v4.1: 91 of 1,612,662 alleles (0.0056%); highest among the groups gnomAD compares: Non-Finnish European, 0.0073%; no homozygotes.

Submission:

PreventionGenetics, part of Exact Sciences
Classification: Uncertain significance for PLXNA1-related condition. Last evaluated: 2026-07-23. Review status: criteria provided, single submitter. Criteria: ACMG Guidelines, 2015. Collection method: clinical testing. Allele origin: germline.
Comment: The PLXNA1 c.1282G>A variant is predicted to result in the amino acid substitution p.Val428Met. To our knowledge, this variant has not been reported in the literature. This variant is reported in 0.0033% of alleles in individuals of South Asian descent in gnomAD. At this time, the clinical significance of this variant is uncertain due to the absence of conclusive functional and genetic evidence.

NM_032242.4(PLXNA1):c.1282G>A (p.Val428Met)

Gene: PLXNA1 (plexin A1; plus strand). Cytogenetic location: 3q21.3.
Variant type: single nucleotide variant.
Coding change: c.1282G>A on transcript NM_032242.4 (MANE Select); coding-DNA position 1282, G replaced by A.
Protein change: p.Val428Met; replaces valine 428 with methionine.
Molecular consequence: missense variant.
Genome position (GRCh38, 1-based): chr3:126,991,471, G>A. VCF-style: chr3-126991471-G-A. GRCh37 (hg19) VCF-style: chr3-126710314-G-A.
Other names: short protein forms V428M.
Identifiers: ClinVar variation 4988859 (VCV004988859.1).